The following is an entry in ClinVar:

ClinVar aggregate classification (germline): Benign/Likely benign. Review status: criteria provided, multiple submitters, no conflicts (2 of 4 stars). 15 submissions from 15 submitters: Benign (7); Likely benign (6). 2 of the submissions do not count toward it. Last evaluated 2026-09-01.

Conditions:
Maple syrup urine disease type 1A (MSUD1A). Also called: MSUD type 1A. Identifiers: MedGen C1855369, MONDO:0023691, OMIM 248600.
Maple syrup urine disease (MSUD). Identifiers: Orphanet 511, MedGen C0024776, MeSH D008375, MONDO:0009563. Disease mechanism: loss of function.

Allele frequency attached by ClinVar (database versions not stated): ExAC 0.01078; 1000 Genomes Project 0.00419; TOPMed 0.00627; ESP Exome Variant Server 0.00753; gnomAD 0.00790 and 0.00785; 1000 Genomes Project 30x 0.00422; gnomAD exomes 0.00894 and 0.00976.
gnomAD v4.1: 14,284 of 1,613,696 alleles (0.89%); highest among the groups gnomAD compares: Middle Eastern, 4.8%; 98 homozygotes.

Submissions (15):

CeGaT Center for Human Genetics Tuebingen
Classification: Likely benign. Last evaluated: 2026-09-01. Review status: criteria provided, single submitter. Criteria: CeGaT Center For Human Genetics Tuebingen Variant Classification Criteria Version 2. Collection method: clinical testing. Allele origin: germline. Affected: yes. Observed: 8 variant alleles.
Comment: BCKDHA: BS2

Labcorp Genetics (formerly Invitae), Labcorp
Classification: Benign for Maple syrup urine disease. Last evaluated: 2026-02-02. Review status: criteria provided, single submitter. Criteria: Invitae Variant Classification Sherloc (09022015). Collection method: clinical testing. Allele origin: germline.

Mayo Clinic Laboratories, Mayo Clinic
Classification: Likely benign. Last evaluated: 2025-08-11. Review status: criteria provided, single submitter. Criteria: ACMG Guidelines, 2015. Collection method: clinical testing. Allele origin: germline. Observed: 1 variant allele.
Comment: BA1, BS2, BP4_moderate

ARUP Laboratories, Molecular Genetics and Genomics, ARUP Laboratories
Classification: Benign for Maple syrup urine disease type 1A. Last evaluated: 2023-10-14. Review status: criteria provided, single submitter. Criteria: ARUP Molecular Germline Variant Investigation Process 2024. Collection method: clinical testing. Allele origin: germline.

GeneDx
Classification: Benign. Last evaluated: 2018-12-05. Review status: criteria provided, single submitter. Criteria: GeneDx Variant Classification Process June 2021. Collection method: clinical testing. Allele origin: germline. Affected: yes.
Comment: This variant is associated with the following publications: (PMID: 32193832, 31119508, 26990548, 14517957, 27535533, 27884173, 12118532, 21228398, 20981092, 22995991, 25087612)

SIB Swiss Institute of Bioinformatics
Classification: Benign. Last evaluated: 2018-05-31. Review status: criteria provided, single submitter. Criteria: ACMG Guidelines, 2015. Collection method: curation. Allele origin: unknown.
Comment: This variant is interpreted as a Benign - Stand Alone. The following ACMG Tag(s) were applied: BA1 => Allele frequency is >1% in Exome Aggregation Consortium. BCKDHA mutations are responsible for Maple syrup urine disease but it is not known if this variant has been ever seen in patients.

Illumina Laboratory Services, Illumina
Classification: Benign for Maple syrup urine disease type 1A. Last evaluated: 2018-03-06. Review status: criteria provided, single submitter. Criteria: ICSL Variant Classification Criteria 13 December 2019. Collection method: clinical testing. Allele origin: germline.
Comment: This variant was observed in the ICSL laboratory as part of a predisposition screen in an ostensibly healthy population. It had not been previously curated by ICSL or reported in the Human Gene Mutation Database (HGMD: prior to June 1st, 2018), and was therefore a candidate for classification through an automated scoring system. Utilizing variant allele frequency, disease prevalence and penetrance estimates, and inheritance mode, an automated score was calculated to assess if this variant is too frequent to cause the disease. Based on the score and internal cut-off values, a variant classified as benign is not then subjected to further curation. The score for this variant resulted in a classification of benign for this disease.

PreventionGenetics, part of Exact Sciences
Classification: Likely benign. Last evaluated: 2016-04-18. Review status: criteria provided, single submitter. Criteria: ACMG Guidelines, 2015. Collection method: clinical testing. Allele origin: germline.

Genome Diagnostics Laboratory, University Medical Center Utrecht
Classification: Likely benign for Maple syrup urine disease type 1A. Last evaluated: 2015-12-18. Review status: criteria provided, single submitter. Criteria: ACGS Guidelines, 2013. Collection method: clinical testing. Allele origin: germline. Affected: yes. Study: VKGL Data-share Consensus.

Genomic Diagnostic Laboratory, Division of Genomic Diagnostics, Children's Hospital of Philadelphia
Classification: Benign. Last evaluated: 2015-09-02. Review status: criteria provided, single submitter. Criteria: DGD Variant Analysis Guidelines. Collection method: clinical testing. Allele origin: unknown.

Eurofins Ntd Llc (ga)
Classification: Benign. Last evaluated: 2013-02-26. Review status: criteria provided, single submitter. Criteria: EGL Classification Definitions 2015. Collection method: clinical testing. Allele origin: germline. Observed: 4 variant alleles, 3 heterozygotes, 1 homozygote.

Breakthrough Genomics
Classification: Likely benign. Review status: criteria provided, single submitter. Criteria: ACMG Guidelines, 2015. Collection method: not provided. Allele origin: germline. Inheritance: Autosomal recessive inheritance. Affected: yes.

Broad Center for Mendelian Genomics, Broad Institute of MIT and Harvard
Classification: Likely benign for Maple syrup urine disease type 1A. Review status: criteria provided, single submitter. Criteria: ACMG Guidelines, 2015. Collection method: research. Allele origin: germline. Inheritance: Autosomal recessive inheritance. Affected: yes.
Comment: In summary, although additional studies are required to fully establish its clinical significance, this variant meets criteria to be classified as likely benign for autosomal recessive maple syrup urine disease.

Natera, Inc.
Classification: Benign for Maple syrup urine disease type 1A. Last evaluated: 2020-06-03. Review status: no assertion criteria provided. Collection method: clinical testing. Allele origin: germline. Not counted in ClinVar's aggregate classification.

Clinical Genetics, Academic Medical Center
Classification: Likely benign. Review status: no assertion criteria provided. Collection method: clinical testing. Allele origin: germline. Affected: yes. Study: VKGL Data-share Consensus. Not counted in ClinVar's aggregate classification.

Literature cited by the submitters: PubMed 12118532 (cited by Mayo Clinic Laboratories, Mayo Clinic).

NM_000709.4(BCKDHA):c.452C>T (p.Thr151Met)

Gene: BCKDHA (branched chain keto acid dehydrogenase E1 subunit alpha; plus strand). Cytogenetic location: 19q13.2.
Variant type: single nucleotide variant.
Coding change: c.452C>T on transcript NM_000709.4 (MANE Select); coding-DNA position 452, C replaced by T.
Protein change: p.Thr151Met; replaces threonine 151 with methionine.
Molecular consequence: missense variant.
Genome position (GRCh38, 1-based): chr19:41,414,125, C>T. VCF-style: chr19-41414125-C-T. GRCh37 (hg19) VCF-style: chr19-41920030-C-T.
Other names: NM_000709.3(BCKDHA):c.452C>T(p.Thr151Met); NM_001164783.1(BCKDHA):c.452C>T(p.Thr151Met); c.452C>T, p.Thr151Met (NM_001164783.2); short protein forms T151M.
Identifiers: ClinVar variation 93361 (VCV000093361.56), dbSNP rs34442879, ClinGen allele CA146875.